The following is an entry in ClinVar:

NM_001369369.1(FOXN1):c.1400C>T (p.Pro467Leu)

Gene: FOXN1 (forkhead box N1; plus strand). Cytogenetic location: 17q11.2.
Variant type: single nucleotide variant.
Coding change: c.1400C>T on transcript NM_001369369.1 (MANE Select); coding-DNA position 1400, C replaced by T.
Protein change: p.Pro467Leu; replaces proline 467 with leucine.
Molecular consequence: missense variant.
Genome position (GRCh38, 1-based): chr17:28,534,971, C>T. VCF-style: chr17-28534971-C-T. GRCh37 (hg19) VCF-style: chr17-26861989-C-T.
Other names: c.1400C>T, p.Pro467Leu (NM_003593.3); short protein forms P467L.
Identifiers: ClinVar variation 1522337 (VCV001522337.5), dbSNP rs761946932, ClinGen allele CA398326289.

ClinVar aggregate classification (germline): Uncertain significance (1 of 4 stars; one submission).

Conditions:
T-cell immunodeficiency, congenital alopecia, and nail dystrophy. Also called: Congenital alopecia and nail dystrophy associated with severe functional T-cell immunodeficiency; Pignata Guarino syndrome. Identifiers: Orphanet 169095, MedGen C1866426, MONDO:0011132, OMIM 601705.

gnomAD v4.1: 27 of 1,613,966 alleles (0.0017%); highest among the groups gnomAD compares: Admixed American, 0.045%; no homozygotes.

Submission:

Labcorp Genetics (formerly Invitae), Labcorp
Classification: Uncertain significance for T-cell immunodeficiency, congenital alopecia, and nail dystrophy. Last evaluated: 2021-09-01. Review status: criteria provided, single submitter. Criteria: Invitae Variant Classification Sherloc (09022015). Collection method: clinical testing. Allele origin: germline.
Comment: This sequence change replaces proline with leucine at codon 467 of the FOXN1 protein (p.Pro467Leu). The proline residue is weakly conserved and there is a moderate physicochemical difference between proline and leucine. This variant is not present in population databases (ExAC no frequency). This variant has not been reported in the literature in individuals affected with FOXN1-related conditions. Algorithms developed to predict the effect of missense changes on protein structure and function (SIFT, PolyPhen-2, Align-GVGD) all suggest that this variant is likely to be tolerated. In summary, the available evidence is currently insufficient to determine the role of this variant in disease. Therefore, it has been classified as a Variant of Uncertain Significance.